The following is an entry in ClinVar:

ClinVar aggregate classification (germline): Uncertain significance. Review status: criteria provided, multiple submitters, no conflicts (2 of 4 stars). 2 submissions from 2 submitters: Uncertain significance (2). Last evaluated 2024-10-02.

Conditions:
Leber congenital amaurosis 9 (LCA9). Also called: LCA9 Leber Congenital Amaurosis; LCA 9; Amaurosis congenita of Leber, type 9. Identifiers: Orphanet 65, MedGen C1837873, MONDO:0012056, OMIM 608553.

Allele frequency attached by ClinVar (database versions not stated): gnomAD exomes below 0.00001; gnomAD 0.00001; TOPMed 0.00001.
gnomAD v4.1: 3 of 1,613,664 alleles (0.00019%); highest among the groups gnomAD compares: African/African-American, 0.004%; no homozygotes.

Submissions (2):

GeneDx
Classification: Uncertain significance. Last evaluated: 2024-10-02. Review status: criteria provided, single submitter. Criteria: GeneDx Variant Classification Process June 2021. Collection method: clinical testing. Allele origin: germline. Affected: yes.
Comment: Not observed at significant frequency in large population cohorts (gnomAD); In silico analysis supports that this missense variant has a deleterious effect on protein structure/function; Has not been previously published as pathogenic or benign to our knowledge

Labcorp Genetics (formerly Invitae), Labcorp
Classification: Uncertain significance for Leber congenital amaurosis 9. Last evaluated: 2022-10-13. Review status: criteria provided, single submitter. Criteria: Invitae Variant Classification Sherloc (09022015). Collection method: clinical testing. Allele origin: germline.
Comment: In summary, the available evidence is currently insufficient to determine the role of this variant in disease. Therefore, it has been classified as a Variant of Uncertain Significance. This variant disrupts the p.Gly52 amino acid residue in NMNAT1. Other variant(s) that disrupt this residue have been observed in individuals with NMNAT1-related conditions (PMID: 28041643), which suggests that this may be a clinically significant amino acid residue. Advanced modeling of protein sequence and biophysical properties (such as structural, functional, and spatial information, amino acid conservation, physicochemical variation, residue mobility, and thermodynamic stability) performed at Invitae indicates that this missense variant is expected to disrupt NMNAT1 protein function. ClinVar contains an entry for this variant (Variation ID: 1465001). This missense change has been observed in individual(s) with retinitis pigmentosa (Invitae). In at least one individual the data is consistent with being in trans (on the opposite chromosome) from a pathogenic variant. This variant is present in population databases (no rsID available, gnomAD 0.007%). This sequence change replaces glycine, which is neutral and non-polar, with arginine, which is basic and polar, at codon 52 of the NMNAT1 protein (p.Gly52Arg).

Literature cited by the submitters: PubMed 28041643 (cited by Labcorp Genetics (formerly Invitae), Labcorp).

NM_022787.4(NMNAT1):c.154G>C (p.Gly52Arg)

Gene: NMNAT1 (nicotinamide nucleotide adenylyltransferase 1; plus strand). Cytogenetic location: 1p36.22.
Variant type: single nucleotide variant.
Coding change: c.154G>C on transcript NM_022787.4 (MANE Select); coding-DNA position 154, G replaced by C.
Protein change: p.Gly52Arg; replaces glycine 52 with arginine.
Molecular consequence: missense variant.
Genome position (GRCh38, 1-based): chr1:9,975,630, G>C. VCF-style: chr1-9975630-G-C. GRCh37 (hg19) VCF-style: chr1-10035688-G-C.
Other names: c.154G>C (NM_022787.3); c.154G>C, p.Gly52Arg (NM_001297778.1, NM_001297779.2); short protein forms G52R.
Identifiers: ClinVar variation 1465001 (VCV001465001.7), dbSNP rs1195640784, ClinGen allele CA338684270.
Genomic context (GRCh38, chr1:9,975,630, plus strand): 5'-TGAAACCTAACTTTTTATCTAGGAAGGTACACAGTTGTCAAAGGCATCATCTCTCCTGTT[G>C]GTGATGCCTACAAGAAGAAAGGACTCATTCCTGCCTATCACCGGGTCATCATGGCAGAAC-3'
Protein context (NP_073624.2, residues 42-62): TVVKGIISPV[Gly52Arg]DAYKKKGLIP